The following is an entry in ClinVar:

NM_002834.5(PTPN11):c.392A>G (p.Lys131Arg)

Gene: PTPN11 (protein tyrosine phosphatase non-receptor type 11; plus strand). Cytogenetic location: 12q24.13.
Variant type: single nucleotide variant.
Coding change: c.392A>G on transcript NM_002834.5 (MANE Select); coding-DNA position 392, A replaced by G.
Protein change: p.Lys131Arg; replaces lysine 131 with arginine.
Molecular consequence: missense variant.
Genome position (GRCh38, 1-based): chr12:112,453,254, A>G. VCF-style: chr12-112453254-A-G. GRCh37 (hg19) VCF-style: chr12-112891058-A-G.
Other names: c.392A>G (NM_002834.4); c.392A>G, p.Lys131Arg (NM_001330437.2, NM_080601.3); c.389A>G, p.Lys130Arg (NM_001374625.1); short protein forms K131R, K130R.
Identifiers: ClinVar variation 44607 (VCV000044607.35), dbSNP rs397516805, ClinGen allele CA134665.

ClinVar aggregate classification (germline): Likely benign. Review status: reviewed by expert panel (3 of 4 stars). 15 submissions from 15 submitters: Likely benign (1). 14 of the submissions do not count toward it. Last evaluated 2019-08-19.

Conditions:
Noonan syndrome and Noonan-related syndrome. Identifiers: Orphanet 98733, MedGen C5681679, MONDO:0020297.
PTPN11-related disorder. Also called: PTPN11-Related Disorders.
Noonan syndrome 1 (NS1). Also called: FEMALE PSEUDO-TURNER SYNDROME; TURNER PHENOTYPE WITH NORMAL KARYOTYPE; PTPN11-Related Noonan Syndrome. Identifiers: Orphanet 648, MedGen C4551602, MONDO:0008104, OMIM 163950. Disease mechanism: gain of function.
LEOPARD syndrome 1 (LPRD1). Also called: LENTIGINOSIS, CARDIOMYOPATHIC; MULTIPLE LENTIGINES SYNDROME; PTPN11-Related LEOPARD Syndrome. Identifiers: Orphanet 500, MedGen C4551484, MONDO:0100082, OMIM 151100.
Juvenile myelomonocytic leukemia (JMML). Also called: LEUKEMIA, JUVENILE MYELOMONOCYTIC, SOMATIC. Identifiers: Orphanet 86834, MedGen C0349639, MONDO:0011908, OMIM 607785, HP:0012209.
Metachondromatosis (METCDS). Identifiers: Orphanet 2499, MedGen C0410530, MONDO:0007979, OMIM 156250.
Cardiovascular phenotype. Identifiers: MedGen CN230736.
RASopathy. Also called: rasopathies; Noonan spectrum disorder. Identifiers: Orphanet 536391, MedGen C5555857, MONDO:0021060.
Noonan syndrome (NS). Also called: Noonan's syndrome. Identifiers: Orphanet 648, MedGen C0028326, MeSH D009634, MONDO:0018997. Disease mechanism: gain of function.

Allele frequency attached by ClinVar (database versions not stated): gnomAD exomes 0.00001 and 0.00005; gnomAD 0.00002 and 0.00006; TOPMed 0.00002 and 0.00003; ExAC 0.00004.
gnomAD v4.1: 53 of 1,613,346 alleles (0.0033%); highest among the groups gnomAD compares: East Asian, 0.031%; no homozygotes.

Submissions (15):

ClinGen RASopathy Variant Curation Expert Panel
Classification: Likely benign for RASopathy. Last evaluated: 2019-08-19. Review status: reviewed by expert panel. Criteria: ClinGen RASopathy ACMG Specifications v1. Collection method: curation. Allele origin: germline. Inheritance: Autosomal dominant inheritance.
Comment: The c.392A>G (p.Lys131Arg) variant in the PTPN11 gene has been identified in a patient with an alternate molecular basis of disease (BP5; Laboratory for Molecular Medicine internal data; VCV000013351.2, GeneDx internal data; VCV000013351.2). The filtering allele frequency of p.Lys131Arg variant is 0.042% for East Asian alleles in the gnomAD database (14/19952 with 95% CI), which is a high enough frequency to be considered strong evidence for the variant being benign by the ClinGen RASopathy Expert Panel (BS1). The variant is located in the PTPN11 gene, which has been defined by the ClinGen RASopathy Expert Panel as a gene with a low rate of benign missense variants and pathogenic missense variants are common (PP2 not met due to case level data indicative of benign). This variant was observed in a healthy adult individual who did not have clinical features of a RASopathy (BS2 not met; Universite Paris Diderot internal data). The ClinGen RASopathy Expert Panel has classified the p.Lys131Arg variant as likely benign. RASopathy-specific ACMG/AMP criteria applied (PMID:29493581): BS1, BP5.

Labcorp Genetics (formerly Invitae), Labcorp
Classification: Likely benign for RASopathy. Last evaluated: 2026-01-11. Review status: criteria provided, single submitter. Criteria: Invitae Variant Classification Sherloc (09022015). Collection method: clinical testing. Allele origin: germline. Not counted in ClinVar's aggregate classification.

Mayo Clinic Laboratories, Mayo Clinic
Classification: Likely benign. Last evaluated: 2025-06-19. Review status: criteria provided, single submitter. Criteria: ACMG Guidelines, 2015. Collection method: clinical testing. Allele origin: germline. Observed: 1 variant allele. Not counted in ClinVar's aggregate classification.
Comment: BS1, BP5

Blueprint Genetics
Classification: Likely benign. Last evaluated: 2024-05-30. Review status: criteria provided, single submitter. Criteria: ACMG Guidelines, 2015. Collection method: clinical testing. Allele origin: germline. Not counted in ClinVar's aggregate classification.

Women's Health and Genetics/Laboratory Corporation of America, LabCorp
Classification: Likely benign. Last evaluated: 2024-04-15. Review status: criteria provided, single submitter. Criteria: LabCorp Variant Classification Summary - May 2015. Collection method: clinical testing. Allele origin: germline. Not counted in ClinVar's aggregate classification.
Comment: Variant summary: PTPN11 c.392A>G (p.Lys131Arg) results in a conservative amino acid change located in the SH2 domain 2 (IPR000980) of the encoded protein sequence. Four of five in-silico tools predict a benign effect of the variant on protein function. The variant allele was found at a frequency of 5.2e-05 in 251376 control chromosomes, predominantly at a frequency of 0.00065 within the East Asian subpopulation in the gnomAD database. The observed variant frequency within East Asian control individuals in the gnomAD database is approximately 10 fold of the estimated maximal expected allele frequency for a pathogenic variant in PTPN11 causing Noonan Syndrome And Related Conditions phenotype (6.3e-05), strongly suggesting that the variant is a benign polymorphism found primarily in populations of East Asian origin. The variant, c.392A>G, has been reported in the literature in Chinese individuals, who were affected with Noonan Syndrome and Related Conditions (Chan_2006, Yu_2019), however without providing supportive evidence for causality. Therefore, these reports do not provide unequivocal conclusions about association of the variant with Noonan Syndrome and Related Conditions. In addition, the variant was also reported in healthy individuals of East Asian ancestry (Bodian_2014). ClinVar contains an entry for this variant (Variation ID: 44607). Based on the evidence outlined above, the variant was classified as likely benign.

ARUP Laboratories, Molecular Genetics and Genomics, ARUP Laboratories
Classification: Likely benign. Last evaluated: 2023-09-22. Review status: criteria provided, single submitter. Criteria: ARUP Molecular Germline Variant Investigation Process 2024. Collection method: clinical testing. Allele origin: germline. Not counted in ClinVar's aggregate classification.

Fulgent Genetics
Classification: Likely benign for LEOPARD syndrome 1; Metachondromatosis; Noonan syndrome 1; Juvenile myelomonocytic leukemia. Last evaluated: 2021-09-14. Review status: criteria provided, single submitter. Criteria: ACMG Guidelines, 2015. Collection method: clinical testing. Allele origin: unknown. Not counted in ClinVar's aggregate classification.

Ambry Genetics
Classification: Likely benign for Cardiovascular phenotype. Last evaluated: 2021-04-14. Review status: criteria provided, single submitter. Criteria: Ambry Variant Classification Scheme 2023. Collection method: clinical testing. Allele origin: germline. Not counted in ClinVar's aggregate classification.

GeneDx
Classification: Likely benign. Last evaluated: 2020-06-18. Review status: criteria provided, single submitter. Criteria: GeneDx Variant Classification Process June 2021. Collection method: clinical testing. Allele origin: germline. Affected: yes. Not counted in ClinVar's aggregate classification.
Comment: This variant is associated with the following publications: (PMID: 30896080, 24728327)

Genome Diagnostics Laboratory, The Hospital for Sick Children
Classification: Uncertain significance for Noonan syndrome and Noonan-related syndrome. Last evaluated: 2016-12-12. Review status: criteria provided, single submitter. Criteria: ACMG Guidelines, 2015. Collection method: clinical testing. Allele origin: germline. Not counted in ClinVar's aggregate classification.

Laboratory for Molecular Medicine, Mass General Brigham Personalized Medicine
Classification: Uncertain significance. Last evaluated: 2011-06-12. Review status: criteria provided, single submitter. Criteria: LMM Criteria. Collection method: clinical testing. Allele origin: germline. Observed: 2 variant alleles. Not counted in ClinVar's aggregate classification.
Comment: This varian t was identified in that individual's mother; however clinical features for the mother were not provided. The Lys131 residue is highly conserved across mammals and lower species and computational a nalyses (PolyPhen2, SIFT, AlignGVGD) suggest that the Lys131Arg variant may impa ct the normal function of PTPN11. Given this information, we are unable to make a conclusive determination as to whether this variant is responsible for the cli nical features observed in this individual.

PreventionGenetics, part of Exact Sciences
Classification: Likely benign for PTPN11-related condition. Last evaluated: 2022-01-25. Review status: no assertion criteria provided. Collection method: clinical testing. Allele origin: germline. Not counted in ClinVar's aggregate classification.
Comment: This variant is classified as likely benign based on ACMG/AMP sequence variant interpretation guidelines (Richards et al. 2015 PMID: 25741868, with internal and published modifications).

Clinical Molecular Genetics Laboratory, Johns Hopkins All Children's Hospital
Classification: Uncertain significance for Noonan syndrome. Last evaluated: 2017-03-08. Review status: no assertion criteria provided. Collection method: clinical testing. Allele origin: germline. Affected: yes. Not counted in ClinVar's aggregate classification.

ITMI
No classification provided. Condition: AllHighlyPenetrant. Last evaluated: 2013-09-19. Review status: no classification provided. Collection method: reference population. Allele origin: germline. Not counted in ClinVar's aggregate classification.
Comment: Please see associated publication for description of ethnicities

Service de Génétique Moléculaire, Hôpital Robert Debré
Classification: Likely benign for Noonan syndrome. Review status: no assertion criteria provided. Collection method: clinical testing. Allele origin: paternal. Affected: no. Not counted in ClinVar's aggregate classification.

Literature cited by the submitters: PubMed 24728327 (cited by 3 submitters); PubMed 30455982 (cited by Women's Health and Genetics/Laboratory Corporation of America, LabCorp); PubMed 30896080 (cited by Women's Health and Genetics/Laboratory Corporation of America, LabCorp and Ambry Genetics); PubMed 30515541 (cited by Ambry Genetics).